The following is an entry in ClinVar:

NM_000038.6(APC):c.263G>C (p.Arg88Pro)

Gene: APC (APC regulator of Wnt signaling pathway; plus strand). Cytogenetic location: 5q22.2.
Variant type: single nucleotide variant.
Coding change: c.263G>C on transcript NM_000038.6 (MANE Select); coding-DNA position 263, G replaced by C.
Protein change: p.Arg88Pro; replaces arginine 88 with proline.
Molecular consequence: missense variant. On other transcripts: 5 prime UTR variant (4), non-coding transcript variant (2).
Genome position (GRCh38, 1-based): chr5:112,767,231, G>C. VCF-style: chr5-112767231-G-C. GRCh37 (hg19) VCF-style: chr5-112102928-G-C.
Other names: c.263G>C, p.Arg88Pro (NM_001127510.3, NM_001354895.2, NM_001354896.2 and 16 more transcripts); c.293G>C, p.Arg98Pro (NM_001127511.3, NM_001354897.2, NM_001354902.2 and 1 more transcripts); c.188G>C, p.Arg63Pro (NM_001354898.2, NM_001354904.2, NM_001407451.1); c.86G>C, p.Arg29Pro (NM_001354900.2, NM_001354901.2, NM_001354905.2 and 1 more transcripts); c.-773G>C (NM_001354906.2, NM_001407470.1, NM_001407471.1 and 1 more transcripts); short protein forms R63P, R98P, R88P, R29P.
Identifiers: ClinVar variation 4593769 (VCV004593769.1).

ClinVar aggregate classification (germline): Uncertain significance (1 of 4 stars; one submission).

Conditions:
Hereditary cancer-predisposing syndrome. Also called: Neoplastic Syndromes, Hereditary; Tumor predisposition; Hereditary Cancer Syndrome; Hereditary neoplastic syndrome. Identifiers: Orphanet 140162, MedGen C0027672, MeSH D009386, MONDO:0015356.

Submission:

Ambry Genetics
Classification: Uncertain significance for Hereditary cancer-predisposing syndrome. Last evaluated: 2025-11-29. Review status: criteria provided, single submitter. Criteria: Ambry Variant Classification Scheme 2023. Collection method: clinical testing. Allele origin: germline.
Comment: The p.R88P variant (also known as c.263G>C), located in coding exon 3 of the APC gene, results from a G to C substitution at nucleotide position 263. The arginine at codon 88 is replaced by proline, an amino acid with dissimilar properties. This amino acid position is conserved. In addition, in silico predictors for this gene do not accurately predict pathogenicity. Based on the available evidence, the clinical significance of this variant remains unclear.